The following is an entry in ClinVar:

ClinVar aggregate classification (germline): Uncertain significance (1 of 4 stars; one submission).

Conditions:
Hereditary cancer-predisposing syndrome. Also called: Tumor predisposition; Hereditary neoplastic syndrome; Hereditary Cancer Syndrome; Neoplastic Syndromes, Hereditary. Identifiers: Orphanet 140162, MedGen C0027672, MeSH D009386, MONDO:0015356.

Submission:

Ambry Genetics
Classification: Uncertain significance for Hereditary cancer-predisposing syndrome. Last evaluated: 2025-06-02. Review status: criteria provided, single submitter. Criteria: Ambry Variant Classification Scheme 2023. Collection method: clinical testing. Allele origin: germline.
Comment: The p.K369Q variant (also known as c.1105A>C), located in coding exon 10 of the PMS2 gene, results from an A to C substitution at nucleotide position 1105. The lysine at codon 369 is replaced by glutamine, an amino acid with similar properties. This amino acid position is conserved. In addition, the in silico prediction for this alteration is inconclusive. Based on the available evidence, the clinical significance of this variant remains unclear.

NM_000535.7(PMS2):c.1105A>C (p.Lys369Gln)

Gene: PMS2 (PMS1 homolog 2, mismatch repair system component; minus strand). Cytogenetic location: 7p22.1.
Variant type: single nucleotide variant.
Coding change: c.1105A>C on transcript NM_000535.7 (MANE Select); coding-DNA position 1105, A replaced by C.
Protein change: p.Lys369Gln; replaces lysine 369 with glutamine.
Molecular consequence: missense variant. On other transcripts: non-coding transcript variant (1), intron variant (10).
Genome position (GRCh38, 1-based): chr7:5,989,839, T>G on the plus strand (A>C on the coding strand, the complement: PMS2 is on the minus strand). VCF-style: chr7-5989839-T-G. GRCh37 (hg19) VCF-style: chr7-6029470-T-G.
Other names: c.700A>C, p.Lys234Gln (NM_001322005.2, NM_001322009.2, NM_001406887.1 and 16 more transcripts); c.787A>C, p.Lys263Gln (NM_001322007.2, NM_001322008.2, NM_001406883.1 and 2 more transcripts); c.172A>C, p.Lys58Gln (NM_001322011.2, NM_001322012.2); c.532A>C, p.Lys178Gln (NM_001322013.2, NM_001406909.1); c.1105A>C, p.Lys369Gln (NM_001322014.2, NM_001406871.1, NM_001406872.1); c.796A>C, p.Lys266Gln (NM_001322015.2, NM_001406878.1, NM_001406879.1 and 5 more transcripts); c.1291A>C, p.Lys431Gln (NM_001406866.1); c.769A>C, p.Lys257Gln (NM_001406885.1); and 13 more; short protein forms K112Q, K198Q, K234Q, K257Q, K333Q, K178Q, K266Q, K303Q.
Identifiers: ClinVar variation 3935107 (VCV003935107.1).